The following is an entry in ClinVar:

NM_000444.6(PHEX):c.732+1G>T

Gene: PHEX (phosphate regulating endopeptidase X-linked; plus strand). Cytogenetic location: Xp22.11.
Variant type: single nucleotide variant.
Coding change: c.732+1G>T on transcript NM_000444.6 (MANE Select); the canonical splice donor site of the intron after coding-DNA position 732, G replaced by T.
Molecular consequence: splice donor variant.
Genome position (GRCh38, 1-based): chrX:22,090,498, G>T. VCF-style: chrX-22090498-G-T. GRCh37 (hg19) VCF-style: chrX-22108616-G-T.
Other names: c.732+1G>T (NM_001282754.2).
Identifiers: ClinVar variation 1380821 (VCV001380821.10), dbSNP rs2147035585, ClinGen allele CA412572175.
Genomic context (GRCh38, chrX:22,090,498, plus strand): 5'-GCAACACTCTCCCTGGCCGTGAGGGAAGACTACCTTGATAACAGTACAGAAGCCAAGTCT[G>T]TAAGTTTTACTCATATTCAACTATGTGCCTTACCAGGCTGCTGTCAGGCCCATTAGTTCT-3'

ClinVar aggregate classification (germline): Pathogenic/Likely pathogenic. Review status: criteria provided, multiple submitters, no conflicts (2 of 4 stars). 2 submissions from 2 submitters: Pathogenic (1); Likely pathogenic (1). Last evaluated 2025-07-02.

Conditions:
Familial X-linked hypophosphatemic vitamin D refractory rickets (XLHRD). Also called: Hypophosphatemia, vitamin D-resistant rickets; Vitamin D-resistant rickets, X-linked; X-Linked Hypophosphatemia; Hypophosphatemic Rickets, X-Linked Dominant; HYPOPHOSPHATEMIC VITAMIN D-RESISTANT RICKETS. Identifiers: Orphanet 89936, MedGen C0733682, MONDO:0010619, OMIM 307800.

Submissions (2):

Labcorp Genetics (formerly Invitae), Labcorp
Classification: Pathogenic. Last evaluated: 2025-07-02. Review status: criteria provided, single submitter. Criteria: Invitae Variant Classification Sherloc (09022015). Collection method: clinical testing. Allele origin: germline.
Comment: This sequence change affects a donor splice site in intron 6 of the PHEX gene. It is expected to disrupt RNA splicing. Variants that disrupt the donor or acceptor splice site typically lead to a loss of protein function (PMID: 16199547), and loss-of-function variants in PHEX are known to be pathogenic (PMID: 9097956, 9106524, 19219621). This variant is not present in population databases (gnomAD no frequency). Disruption of this splice site has been observed in individual(s) with hypophosphatemic rickets (PMID: 9097956, 24078575). ClinVar contains an entry for this variant (Variation ID: 1380821). Algorithms developed to predict the effect of sequence changes on RNA splicing suggest that this variant may disrupt the consensus splice site. For these reasons, this variant has been classified as Pathogenic.

Women's Health and Genetics/Laboratory Corporation of America, LabCorp
Classification: Likely pathogenic for Familial X-linked hypophosphatemic vitamin D refractory rickets. Last evaluated: 2025-01-22. Review status: criteria provided, single submitter. Criteria: LabCorp Variant Classification Summary - May 2015. Collection method: clinical testing. Allele origin: germline.
Comment: Variant summary: PHEX c.732+1G>T is located in a canonical splice-site and is predicted to affect mRNA splicing resulting in a significantly altered protein due to either exon skipping, shortening, or inclusion of intronic material. Variants that disrupt the consensus splice site are a relatively common cause of aberrant splicing and loss of PHEX function. Several computational tools predict a significant impact on normal splicing: Four predict the variant abolishes a 5' splicing donor site. However, these predictions have yet to be confirmed by functional studies. The variant was absent in 182718 control chromosomes. c.732+1G>T has been reported in the literature in individuals affected with X-Linked Hypophosphatemic Rickets (e.g. Rowe_1997, Ma_2013). These data indicate that the variant is likely associated with disease. To our knowledge, no experimental evidence demonstrating an impact on protein function has been reported. The following publications have been ascertained in the context of this evaluation (PMID: 24078575, 9097956). ClinVar contains an entry for this variant (Variation ID: 1380821). Based on the evidence outlined above, the variant was classified as likely pathogenic.

Literature cited by the submitters: PubMed 16199547 (cited by Labcorp Genetics (formerly Invitae), Labcorp); PubMed 9097956 (cited by Labcorp Genetics (formerly Invitae), Labcorp and Women's Health and Genetics/Laboratory Corporation of America, LabCorp); PubMed 9106524 (cited by Labcorp Genetics (formerly Invitae), Labcorp); PubMed 19219621 (cited by Labcorp Genetics (formerly Invitae), Labcorp); PubMed 24078575 (cited by Labcorp Genetics (formerly Invitae), Labcorp and Women's Health and Genetics/Laboratory Corporation of America, LabCorp).